The following is an entry in ClinVar:

NM_002291.3(LAMB1):c.891C>T (p.His297=)

Gene: LAMB1 (laminin subunit beta 1; minus strand). Cytogenetic location: 7q31.1.
Variant type: single nucleotide variant.
Coding change: c.891C>T on transcript NM_002291.3 (MANE Select); coding-DNA position 891, C replaced by T.
Protein change: p.His297=; no amino-acid change (histidine 297 retained).
Molecular consequence: synonymous variant.
Genome position (GRCh38, 1-based): chr7:107,978,156, G>A on the plus strand (C>T on the coding strand, the complement: LAMB1 is on the minus strand). VCF-style: chr7-107978156-G-A. GRCh37 (hg19) VCF-style: chr7-107618601-G-A.
Identifiers: ClinVar variation 512689 (VCV000512689.14), dbSNP rs146380871, ClinGen allele CA4436160.

ClinVar aggregate classification (germline): Benign/Likely benign. Review status: criteria provided, multiple submitters, no conflicts (2 of 4 stars). 3 submissions from 3 submitters: Benign (1); Likely benign (1). 1 of the submissions does not count toward it. Last evaluated 2024-04-25.

Conditions:
LAMB1-related disorder. Also called: LAMB1-related condition.

Allele frequency attached by ClinVar (database versions not stated): gnomAD exomes 0.00016; ExAC 0.00019; ESP Exome Variant Server 0.00062; gnomAD 0.00066 and 0.00070; TOPMed 0.00083; 1000 Genomes Project 0.00120; 1000 Genomes Project 30x 0.00125.
gnomAD v4.1: 174 of 1,614,126 alleles (0.011%); highest among the groups gnomAD compares: African/African-American, 0.2%; 1 homozygote.

Submissions (3):

Labcorp Genetics (formerly Invitae), Labcorp
Classification: Benign. Last evaluated: 2024-04-25. Review status: criteria provided, single submitter. Criteria: Invitae Variant Classification Sherloc (09022015). Collection method: clinical testing. Allele origin: germline.

GeneDx
Classification: Likely benign. Last evaluated: 2020-05-15. Review status: criteria provided, single submitter. Criteria: GeneDx Variant Classification Process June 2021. Collection method: clinical testing. Allele origin: germline. Affected: yes.

PreventionGenetics, part of Exact Sciences
Classification: Likely benign for LAMB1-related condition. Last evaluated: 2020-01-17. Review status: no assertion criteria provided. Collection method: clinical testing. Allele origin: germline. Not counted in ClinVar's aggregate classification.
Comment: This variant is classified as likely benign based on ACMG/AMP sequence variant interpretation guidelines (Richards et al. 2015 PMID: 25741868, with internal and published modifications).